The following is an entry in ClinVar:

NM_153033.5(KCTD7):c.132G>A (p.Leu44=)

Genes: KCTD7 (potassium channel tetramerization domain containing 7; plus strand), LOC129998533 (ATAC-STARR-seq lymphoblastoid silent region 18210; plus strand). Cytogenetic location: 7q11.21.
Variant type: single nucleotide variant.
Coding change: c.132G>A on transcript NM_153033.5 (MANE Select); coding-DNA position 132, G replaced by A.
Protein change: p.Leu44=; no amino-acid change (leucine 44 retained).
Molecular consequence: synonymous variant.
Genome position (GRCh38, 1-based): chr7:66,629,196, G>A. VCF-style: chr7-66629196-G-A. GRCh37 (hg19) VCF-style: chr7-66094183-G-A.
Other names: c.132G>A, p.Leu44= (NM_001167961.2).
Identifiers: ClinVar variation 388566 (VCV000388566.10), dbSNP rs1057523155, ClinGen allele CA16605376.

ClinVar aggregate classification (germline): Likely benign. Review status: criteria provided, multiple submitters, no conflicts (2 of 4 stars). 2 submissions from 2 submitters: Likely benign (2). Last evaluated 2025-11-18.

Conditions:
Progressive myoclonic epilepsy type 3. Also called: KCTD7-Related Progressive Myoclonic Epilepsy; EPILEPSY, PROGRESSIVE MYOCLONIC, 3, WITH OR WITHOUT INTRACELLULAR INCLUSIONS; CEROID LIPOFUSCINOSIS, NEURONAL, 14; EPILEPSY, PROGRESSIVE MYOCLONIC, 3, WITHOUT INTRACELLULAR INCLUSIONS. Identifiers: Orphanet 263516, MedGen C2673257, MONDO:0012721, OMIM 611726.

Allele frequency attached by ClinVar (database versions not stated): gnomAD exomes below 0.00001; TOPMed 0.00001; gnomAD 0.00003.

Submissions (2):

Labcorp Genetics (formerly Invitae), Labcorp
Classification: Likely benign for Progressive myoclonic epilepsy type 3. Last evaluated: 2025-11-18. Review status: criteria provided, single submitter. Criteria: Invitae Variant Classification Sherloc (09022015). Collection method: clinical testing. Allele origin: germline.

GeneDx
Classification: Likely benign. Last evaluated: 2016-08-12. Review status: criteria provided, single submitter. Criteria: GeneDx Variant Classification (06012015). Collection method: clinical testing. Allele origin: germline. Affected: yes.
Comment: This variant is considered likely benign or benign based on one or more of the following criteria: it is a conservative change, it occurs at a poorly conserved position in the protein, it is predicted to be benign by multiple in silico algorithms, and/or has population frequency not consistent with disease.